The following is an entry in ClinVar:

NM_005622.4(ACSM3):c.93T>C (p.Asp31=)

Gene: ACSM3 (acyl-CoA synthetase medium chain family member 3; plus strand). Cytogenetic location: 16p12.3.
Variant type: single nucleotide variant.
Coding change: c.93T>C on transcript NM_005622.4 (MANE Select); coding-DNA position 93, T replaced by C.
Protein change: p.Asp31=; no amino-acid change (aspartic acid 31 retained).
Molecular consequence: synonymous variant.
Genome position (GRCh38, 1-based): chr16:20,770,127, T>C. VCF-style: chr16-20770127-T-C. GRCh37 (hg19) VCF-style: chr16-20781449-T-C.
Other names: c.93T>C, p.Asp31= (NM_202000.3).
Identifiers: ClinVar variation 2646286 (VCV002646286.24), dbSNP rs150678048, ClinGen allele CA7943651.

ClinVar aggregate classification (germline): Likely benign (1 of 4 stars; one submission).

Allele frequency attached by ClinVar (database versions not stated): gnomAD exomes 0.00017; gnomAD 0.00019; TOPMed 0.00027; ExAC 0.00029; ESP Exome Variant Server 0.00031.

Submission:

CeGaT Center for Human Genetics Tuebingen
Classification: Likely benign. Last evaluated: 2023-03-01. Review status: criteria provided, single submitter. Criteria: CeGaT Center For Human Genetics Tuebingen Variant Classification Criteria Version 2. Collection method: clinical testing. Allele origin: germline. Affected: yes. Observed: 1 variant allele.
Comment: ACSM3: BP4, BP7